The following is an entry in ClinVar:

ClinVar aggregate classification (germline): Uncertain significance (1 of 4 stars; one submission).

Conditions:
Hereditary sensory and autonomic neuropathy type 7. Also called: Neuropathy, hereditary sensory and autonomic, type VII; HSAN VII. Identifiers: Orphanet 391397, MedGen C3809882, MONDO:0014244, OMIM 615548.
Familial episodic pain syndrome with predominantly lower limb involvement. Also called: Episodic pain syndrome, familial, 3. Identifiers: Orphanet 391384, Orphanet 391392, MedGen C3809899, MONDO:0014247, OMIM 615552.

Allele frequency attached by ClinVar (database versions not stated): gnomAD exomes below 0.00001.

Submission:

Labcorp Genetics (formerly Invitae), Labcorp
Classification: Uncertain significance for Familial episodic pain syndrome with predominantly lower limb involvement; Hereditary sensory and autonomic neuropathy type 7. Last evaluated: 2022-04-20. Review status: criteria provided, single submitter. Criteria: Invitae Variant Classification Sherloc (09022015). Collection method: clinical testing. Allele origin: germline.
Comment: This sequence change replaces aspartic acid, which is acidic and polar, with histidine, which is basic and polar, at codon 343 of the SCN11A protein (p.Asp343His). This variant is not present in population databases (gnomAD no frequency). In summary, the available evidence is currently insufficient to determine the role of this variant in disease. Therefore, it has been classified as a Variant of Uncertain Significance. This variant has not been reported in the literature in individuals affected with SCN11A-related conditions. Algorithms developed to predict the effect of missense changes on protein structure and function (SIFT, PolyPhen-2, Align-GVGD) all suggest that this variant is likely to be disruptive.

NM_001349253.2(SCN11A):c.1027G>C (p.Asp343His)

Gene: SCN11A (sodium voltage-gated channel alpha subunit 11; minus strand). Cytogenetic location: 3p22.2.
Variant type: single nucleotide variant.
Coding change: c.1027G>C on transcript NM_001349253.2 (MANE Select); coding-DNA position 1027, G replaced by C.
Protein change: p.Asp343His; replaces aspartic acid 343 with histidine.
Molecular consequence: missense variant.
Genome position (GRCh38, 1-based): chr3:38,910,140, C>G on the plus strand (G>C on the coding strand, the complement: SCN11A is on the minus strand). VCF-style: chr3-38910140-C-G. GRCh37 (hg19) VCF-style: chr3-38951631-C-G.
Other names: c.1027G>C, p.Asp343His (NM_014139.3); short protein forms D343H.
Identifiers: ClinVar variation 2155306 (VCV002155306.4), dbSNP rs2470602001, ClinGen allele CA352168583.
Genomic context (GRCh38, chr3:38,910,140, plus strand): 5'-TCTCCCAGGAATCTTGGGTCATCAGCCGGAACATGGCAAGAAAAGACCAGCCAAAGTTGT[C>G]AAAATTCGTATAATTATAGTCAGGATTAATTTTGGTGTGCTTACATTCATATTGTATGGA-3'
Protein context (NP_001336182.1, residues 333-353): INPDYNYTNF[Asp343His]NFGWSFLAMF